The following is an entry in ClinVar:

ClinVar aggregate classification (germline): Uncertain significance. Review status: criteria provided, multiple submitters, no conflicts (2 of 4 stars). 6 submissions from 4 submitters: Uncertain significance (6). Last evaluated 2026-01-04.

Conditions:
Cardiomyopathy (CMYO). Also called: Cardiomyopathies. Identifiers: Orphanet 167848, MedGen C0878544, MONDO:0004994, HP:0001638. Inheritance: Various modes of inheritance.
Hypertrophic cardiomyopathy 2. Also called: TNNT2-Related Familial Hypertrophic Cardiomyopathy. Identifiers: MedGen C1861864, MONDO:0007266, OMIM 115195.
Dilated cardiomyopathy 1D. Identifiers: Orphanet 154, Orphanet 54260, MedGen C1832243, MONDO:0011095, OMIM 601494.
Cardiomyopathy, familial restrictive, 3. Identifiers: Orphanet 75249, MedGen C2676271, MONDO:0012900, OMIM 612422.

Allele frequency attached by ClinVar (database versions not stated): gnomAD exomes below 0.00001 and 0.00001; gnomAD 0.00001; TOPMed 0.00003.
gnomAD v4.1: 4 of 1,613,880 alleles (0.00025%); highest among the groups gnomAD compares: East Asian, 0.0089%; no homozygotes.

Submissions (6):

Labcorp Genetics (formerly Invitae), Labcorp
Classification: Uncertain significance for Cardiomyopathy, familial restrictive, 3; Hypertrophic cardiomyopathy 2; Dilated cardiomyopathy 1D. Last evaluated: 2026-01-04. Review status: criteria provided, single submitter. Criteria: Invitae Variant Classification Sherloc (09022015). Collection method: clinical testing. Allele origin: germline.
Comment: This sequence change replaces glutamine, which is neutral and polar, with lysine, which is basic and polar, at codon 24 of the TNNT2 protein (p.Gln24Lys). This variant is present in population databases (no rsID available, gnomAD 0.01%). This missense change has been observed in individual(s) with dilated cardiomyopathy and/or sudden cardiac deathq (PMID: 38958565; internal data). ClinVar contains an entry for this variant (Variation ID: 575780). Experimental studies and prediction algorithms are not available or were not evaluated, and the functional significance of this variant is currently unknown. In summary, the available evidence is currently insufficient to determine the role of this variant in disease. Therefore, it has been classified as a Variant of Uncertain Significance.

All of Us Research Program, National Institutes of Health
Classification: Uncertain significance for Cardiomyopathy. Last evaluated: 2023-12-18. Review status: criteria provided, single submitter. Criteria: ACMG Guidelines, 2015. Collection method: clinical testing. Allele origin: germline. Inheritance: Autosomal dominant inheritance. Observed: 2 variant alleles, 2 heterozygotes.
Comment: This missense variant replaces glutamine with lysine at codon 24 of the TNNT2 protein. Computational prediction tools indicate that this variant's impact on protein structure and function is inconclusive. To our knowledge, functional studies have not been reported for this variant. This variant has not been reported in individuals affected with cardiovascular disorders in the literature. This variant has been identified in 2/251396 chromosomes in the general population by the Genome Aggregation Database (gnomAD). The available evidence is insufficient to determine the role of this variant in disease conclusively. Therefore, this variant is classified as a Variant of Uncertain Significance.

This study involves interpretation of variants in research participants for the purpose of population health screening. Participant phenotype was not available at the time of variant classification. Additional details can be found in publication PMID: 35346344, PMCID: PMC8962531

Color Diagnostics, LLC DBA Color Health
Classification: Uncertain significance for Cardiomyopathy. Last evaluated: 2023-11-30. Review status: criteria provided, single submitter. Criteria: ACMG Guidelines, 2015. Collection method: clinical testing. Allele origin: germline.
Comment: This missense variant replaces glutamine with lysine at codon 24 of the TNNT2 protein. Computational prediction tools indicate that this variant's impact on protein structure and function is inconclusive. To our knowledge, functional studies have not been reported for this variant. This variant has not been reported in individuals affected with cardiovascular disorders in the literature. This variant has been identified in 2/251396 chromosomes in the general population by the Genome Aggregation Database (gnomAD). The available evidence is insufficient to determine the role of this variant in disease conclusively. Therefore, this variant is classified as a Variant of Uncertain Significance.

Genome-Nilou Lab
Classification: Uncertain significance for Cardiomyopathy, familial restrictive, 3. Last evaluated: 2023-11-04. Review status: criteria provided, single submitter. Criteria: ACMG Guidelines, 2015. Collection method: clinical testing. Allele origin: germline. Affected: no.

Genome-Nilou Lab
Classification: Uncertain significance for Hypertrophic cardiomyopathy 2. Last evaluated: 2023-11-04. Review status: criteria provided, single submitter. Criteria: ACMG Guidelines, 2015. Collection method: clinical testing. Allele origin: germline. Affected: no.

Genome-Nilou Lab
Classification: Uncertain significance for Dilated cardiomyopathy 1D. Last evaluated: 2023-11-04. Review status: criteria provided, single submitter. Criteria: ACMG Guidelines, 2015. Collection method: clinical testing. Allele origin: germline. Affected: no.

Literature cited by the submitters: PubMed 38958565 (cited by Labcorp Genetics (formerly Invitae), Labcorp).

NM_001276345.2(TNNT2):c.100C>A (p.Gln34Lys)

Gene: TNNT2 (troponin T2, cardiac type; minus strand). Cytogenetic location: 1q32.1.
Variant type: single nucleotide variant.
Coding change: c.100C>A on transcript NM_001276345.2 (MANE Select); coding-DNA position 100, C replaced by A.
Protein change: p.Gln34Lys; replaces glutamine 34 with lysine.
Molecular consequence: missense variant.
Genome position (GRCh38, 1-based): chr1:201,368,225, G>T on the plus strand (C>A on the coding strand, the complement: TNNT2 is on the minus strand). VCF-style: chr1-201368225-G-T. GRCh37 (hg19) VCF-style: chr1-201337353-G-T.
Other names: c.100C>A, p.Gln34Lys (NM_000364.4, NM_001276346.2); c.70C>A, p.Gln24Lys (NM_001001430.3, NM_001001431.3, NM_001276347.2); c.55C>A, p.Gln19Lys (NM_001001432.3); short protein forms Q34K, Q24K, Q19K.
Identifiers: ClinVar variation 575780 (VCV000575780.15), dbSNP rs1350800220, ClinGen allele CA344207399.